The following is an entry in ClinVar:

NM_017760.7(NCAPG2):c.3380+2723_3380+2729del

Gene: NCAPG2 (non-SMC condensin II complex subunit G2; minus strand). Cytogenetic location: 7q36.3.
Variant type: Deletion.
Coding change: c.3380+2723_3380+2729del on transcript NM_017760.7 (MANE Select); bases 2723 to 2729 of the intron after coding-DNA position 3380, 7 bases deleted (TTTTTTT; older notation c.3380+2723_3380+2729delTTTTTTT).
Molecular consequence: intron variant.
Genome position (GRCh38, 1-based): chr7:158,641,560-158,641,566, AAAAAAA deleted on the plus strand (TTTTTTT on the coding strand, the reverse complement: NCAPG2 is on the minus strand); deleting any 7 consecutive bases within chr7:158,641,560-158,641,574 gives the same sequence; the c. name uses the placement nearest the transcript's 3' end. VCF-style (leftmost placement, unchanged base first): chr7-158641559-GAAAAAAA-G. GRCh37 (hg19) VCF-style: chr7-158434251-GAAAAAAA-G.
Other names: c.3380+2723_3380+2729del (NM_001281932.2); c.3381-12_3381-6del (NM_001281933.2).
Identifiers: ClinVar variation 3041941 (VCV003041941.2), dbSNP rs74999655, ClinGen allele CA4592301.

ClinVar aggregate classification (germline): Benign (0 of 4 stars; one submission).

Conditions:
NCAPG2-related disorder. Also called: NCAPG2-related condition.

Submission:

PreventionGenetics, part of Exact Sciences
Classification: Benign for NCAPG2-related condition. Last evaluated: 2019-11-06. Review status: no assertion criteria provided. Collection method: clinical testing. Allele origin: germline.
Comment: This variant is classified as benign based on ACMG/AMP sequence variant interpretation guidelines (Richards et al. 2015 PMID: 25741868, with internal and published modifications).